The following is an entry in ClinVar:

ClinVar aggregate classification (germline): Uncertain significance (1 of 4 stars; one submission).

Conditions:
Severe combined immunodeficiency due to DNA-PKcs deficiency. Also called: Immunodeficiency 26 with or without neurologic abnormalities; IMMUNODEFICIENCY 26 WITH NEUROLOGIC ABNORMALITIES. Identifiers: Orphanet 317425, MedGen C4014833, MONDO:0014423, OMIM 615966.

gnomAD v4.1: 3 of 1,546,432 alleles (0.00019%); highest among the groups gnomAD compares: Non-Finnish European, 0.00026%; no homozygotes.

Submission:

Labcorp Genetics (formerly Invitae), Labcorp
Classification: Uncertain significance for Severe combined immunodeficiency due to DNA-PKcs deficiency. Last evaluated: 2023-04-09. Review status: criteria provided, single submitter. Criteria: Invitae Variant Classification Sherloc (09022015). Collection method: clinical testing. Allele origin: germline.
Comment: Advanced modeling of protein sequence and biophysical properties (such as structural, functional, and spatial information, amino acid conservation, physicochemical variation, residue mobility, and thermodynamic stability) performed at Invitae indicates that this missense variant is expected to disrupt PRKDC protein function. In summary, the available evidence is currently insufficient to determine the role of this variant in disease. Therefore, it has been classified as a Variant of Uncertain Significance. This variant has not been reported in the literature in individuals affected with PRKDC-related conditions. This variant is not present in population databases (gnomAD no frequency). This sequence change replaces serine, which is neutral and polar, with cysteine, which is neutral and slightly polar, at codon 1753 of the PRKDC protein (p.Ser1753Cys).

NM_006904.7(PRKDC):c.5258C>G (p.Ser1753Cys)

Gene: PRKDC (protein kinase, DNA-activated, catalytic subunit; minus strand). Cytogenetic location: 8q11.21.
Variant type: single nucleotide variant.
Coding change: c.5258C>G on transcript NM_006904.7 (MANE Select); coding-DNA position 5258, C replaced by G.
Protein change: p.Ser1753Cys; replaces serine 1753 with cysteine.
Molecular consequence: missense variant.
Genome position (GRCh38, 1-based): chr8:47,877,829, G>C on the plus strand (C>G on the coding strand, the complement: PRKDC is on the minus strand). VCF-style: chr8-47877829-G-C. GRCh37 (hg19) VCF-style: chr8-48790390-G-C.
Other names: c.5258C>G, p.Ser1753Cys (NM_001081640.2); short protein forms S1753C.
Identifiers: ClinVar variation 2851559 (VCV002851559.3), dbSNP rs750568921, ClinGen allele CA371137904.